The following is an entry in ClinVar:

ClinVar aggregate classification (germline): Uncertain significance (1 of 4 stars; one submission).

Conditions:
Hereditary spastic paraplegia 11. Also called: SPASTIC PARAPLEGIA, AUTOSOMAL RECESSIVE, COMPLICATED, WITH THIN CORPUS CALLOSUM; SPASTIC PARAPLEGIA, AUTOSOMAL RECESSIVE, WITH MENTAL IMPAIRMENT AND THIN CORPUS CALLOSUM; Spastic Paraplegia 11; Nakamura Osame syndrome; Autosomal recessive hereditary spastic paraplegia, mental impairment, and thin corpus callosum; Spastic paraplegia, mental retardation and thin corpus callosum. Identifiers: Orphanet 2822, MedGen C1858479, MONDO:0011445, OMIM 604360.

Allele frequency attached by ClinVar (database versions not stated): gnomAD exomes below 0.00001.
gnomAD v4.1: 2 of 1,614,150 alleles (0.00012%); highest among the groups gnomAD compares: Non-Finnish European, 0.00017%; no homozygotes.

Submission:

Labcorp Genetics (formerly Invitae), Labcorp
Classification: Uncertain significance for Hereditary spastic paraplegia 11. Last evaluated: 2021-08-28. Review status: criteria provided, single submitter. Criteria: Invitae Variant Classification Sherloc (09022015). Collection method: clinical testing. Allele origin: germline.
Comment: This sequence change replaces lysine with arginine at codon 329 of the SPG11 protein (p.Lys329Arg). The lysine residue is moderately conserved and there is a small physicochemical difference between lysine and arginine. This variant is not present in population databases (ExAC no frequency). This variant has not been reported in the literature in individuals affected with SPG11-related conditions. Algorithms developed to predict the effect of missense changes on protein structure and function output the following: SIFT: "Tolerated"; PolyPhen-2: "Probably Damaging"; Align-GVGD: "Class C0". The arginine amino acid residue is found in multiple mammalian species, which suggests that this missense change does not adversely affect protein function. Algorithms developed to predict the effect of sequence changes on RNA splicing suggest that this variant may create or strengthen a splice site. In summary, the available evidence is currently insufficient to determine the role of this variant in disease. Therefore, it has been classified as a Variant of Uncertain Significance.

NM_025137.4(SPG11):c.986A>G (p.Lys329Arg)

Gene: SPG11 (SPG11 vesicle trafficking associated, spatacsin; minus strand). Cytogenetic location: 15q21.1.
Variant type: single nucleotide variant.
Coding change: c.986A>G on transcript NM_025137.4 (MANE Select); coding-DNA position 986, A replaced by G.
Protein change: p.Lys329Arg; replaces lysine 329 with arginine.
Molecular consequence: missense variant.
Genome position (GRCh38, 1-based): chr15:44,652,150, T>C on the plus strand (A>G on the coding strand, the complement: SPG11 is on the minus strand). VCF-style: chr15-44652150-T-C. GRCh37 (hg19) VCF-style: chr15-44944348-T-C.
Other names: c.986A>G, p.Lys329Arg (NM_001160227.2); short protein forms K329R.
Identifiers: ClinVar variation 954058 (VCV000954058.6), dbSNP rs2084801193, ClinGen allele CA392236859.